The following is an entry in ClinVar:

NM_003982.4(SLC7A7):c.580G>A (p.Ala194Thr)

Gene: SLC7A7 (solute carrier family 7 member 7; minus strand). Cytogenetic location: 14q11.2.
Variant type: single nucleotide variant.
Coding change: c.580G>A on transcript NM_003982.4 (MANE Select); coding-DNA position 580, G replaced by A.
Protein change: p.Ala194Thr; replaces alanine 194 with threonine.
Molecular consequence: missense variant.
Genome position (GRCh38, 1-based): chr14:22,779,971, C>T on the plus strand (G>A on the coding strand, the complement: SLC7A7 is on the minus strand). VCF-style: chr14-22779971-C-T. GRCh37 (hg19) VCF-style: chr14-23249180-C-T.
Other names: c.580G>A, p.Ala194Thr (NM_001126105.3, NM_001126106.4); short protein forms A194T.
Identifiers: ClinVar variation 2148509 (VCV002148509.1), dbSNP rs1384497763, ClinGen allele CA388924277.

ClinVar aggregate classification (germline): Uncertain significance (1 of 4 stars; one submission).

Conditions:
Lysinuric protein intolerance (LPI). Identifiers: Orphanet 470, MedGen C0268647, MONDO:0009109, OMIM 222700.

Allele frequency attached by ClinVar (database versions not stated): gnomAD exomes below 0.00001; gnomAD 0.00001.
gnomAD v4.1: 6 of 1,614,026 alleles (0.00037%); highest among the groups gnomAD compares: African/African-American, 0.0067%; no homozygotes.

Submission:

Labcorp Genetics (formerly Invitae), Labcorp
Classification: Uncertain significance for Lysinuric protein intolerance. Last evaluated: 2022-03-15. Review status: criteria provided, single submitter. Criteria: Invitae Variant Classification Sherloc (09022015). Collection method: clinical testing. Allele origin: germline.
Comment: This sequence change replaces alanine, which is neutral and non-polar, with threonine, which is neutral and polar, at codon 194 of the SLC7A7 protein (p.Ala194Thr). This variant is present in population databases (no rsID available, gnomAD 0.007%). This variant has not been reported in the literature in individuals affected with SLC7A7-related conditions. Algorithms developed to predict the effect of missense changes on protein structure and function are either unavailable or do not agree on the potential impact of this missense change (SIFT: "Tolerated"; PolyPhen-2: "Probably Damaging"; Align-GVGD: "Class C0"). In summary, the available evidence is currently insufficient to determine the role of this variant in disease. Therefore, it has been classified as a Variant of Uncertain Significance.